The following is an entry in ClinVar:

NM_001282597.3(CTNNA2):c.1450G>A (p.Val484Ile)

Gene: CTNNA2 (catenin alpha 2; plus strand). Cytogenetic location: 2p12.
Variant type: single nucleotide variant.
Coding change: c.1450G>A on transcript NM_001282597.3 (MANE Select); coding-DNA position 1450, G replaced by A.
Protein change: p.Val484Ile; replaces valine 484 with isoleucine.
Molecular consequence: missense variant.
Genome position (GRCh38, 1-based): chr2:80,545,973, G>A. VCF-style: chr2-80545973-G-A. GRCh37 (hg19) VCF-style: chr2-80773098-G-A.
Other names: c.1450G>A, p.Val484Ile (NM_001164883.2, NM_004389.4); c.1552G>A, p.Val518Ile (NM_001282598.2); c.487G>A, p.Val163Ile (NM_001282599.2); c.346G>A, p.Val116Ile (NM_001282600.2, NM_001320810.2); c.1450G>A (NM_004389.3); short protein forms V484I, V518I, V163I, V116I.
Identifiers: ClinVar variation 1027783 (VCV001027783.2), dbSNP rs753989146, ClinGen allele CA1735658.

ClinVar aggregate classification (germline): Uncertain significance. Review status: criteria provided, multiple submitters, no conflicts (2 of 4 stars). 2 submissions from 2 submitters: Uncertain significance (2). Last evaluated 2024-10-29.

Conditions:
Cortical dysplasia, complex, with other brain malformations 9. Identifiers: MedGen C4748540, MONDO:0032578, OMIM 618174.
Inborn genetic diseases. Identifiers: MedGen C0950123, MeSH D030342.

Allele frequency attached by ClinVar (database versions not stated): gnomAD 0.00001; TOPMed 0.00001; ExAC 0.00002; gnomAD exomes 0.00004.
gnomAD v4.1: 44 of 1,613,994 alleles (0.0027%); highest among the groups gnomAD compares: Admixed American, 0.02%; no homozygotes.

Submissions (2):

Ambry Genetics
Classification: Uncertain significance for Inborn genetic diseases. Last evaluated: 2024-10-29. Review status: criteria provided, single submitter. Criteria: Ambry Variant Classification Scheme 2023. Collection method: clinical testing. Allele origin: germline.

Baylor Genetics
Classification: Uncertain significance for Cortical dysplasia, complex, with other brain malformations 9. Last evaluated: 2019-11-25. Review status: criteria provided, single submitter. Criteria: ACMG Guidelines, 2015. Collection method: clinical testing. Allele origin: unknown. Affected: yes.
Comment: This variant was determined to be of uncertain significance according to ACMG Guidelines, 2015 [PMID:25741868].